The following is an entry in ClinVar:

NC_012920.1(MT-CYB):m.15404T>C

Gene: MT-CYB (mitochondrially encoded cytochrome b; plus strand).
Variant type: single nucleotide variant.
Genome position: chrM-15404-T-C.
Identifiers: ClinVar variation 693879 (VCV000693879.1), dbSNP rs1603225259, ClinGen allele CA913173773.

ClinVar aggregate classification (germline): Uncertain significance (1 of 4 stars; one submission).

Conditions:
Leigh syndrome (NULS). Also called: Leigh's necrotizing encephalopathy; Leigh's disease; Leigh's syndrome; LEIGH SYNDROME, NUCLEAR; Leigh Syndrome (mtDNA deletion); Leigh Disease. Identifiers: Orphanet 506, MedGen C2931891, MONDO:0009723, OMIM 256000.

Submission:

Wong Mito Lab, Molecular and Human Genetics, Baylor College of Medicine
Classification: Uncertain significance for Leigh syndrome. Last evaluated: 2019-10-17. Review status: criteria provided, single submitter. Criteria: Modified ACMG Guidelines (Unpublished). Collection method: clinical testing. Allele origin: germline.
Comment: The NC_012920.1:m.15404T>C (YP_003024038.1:p.Phe220Leu) variant in MTCYB gene is interpretated to be a Uncertain Significance variant based on the modified ACMG guidelines (unpublished). This variant meets the following evidence codes: PP6, BS4